The following is an entry in ClinVar:

NM_000069.3(CACNA1S):c.394C>A (p.Leu132Met)

Gene: CACNA1S (calcium voltage-gated channel subunit alpha1 S; minus strand). Cytogenetic location: 1q32.1.
Variant type: single nucleotide variant.
Coding change: c.394C>A on transcript NM_000069.3 (MANE Select); coding-DNA position 394, C replaced by A.
Protein change: p.Leu132Met; replaces leucine 132 with methionine.
Molecular consequence: missense variant.
Genome position (GRCh38, 1-based): chr1:201,093,886, G>T on the plus strand (C>A on the coding strand, the complement: CACNA1S is on the minus strand). VCF-style: chr1-201093886-G-T. GRCh37 (hg19) VCF-style: chr1-201063014-G-T.
Other names: short protein forms L132M.
Identifiers: ClinVar variation 254833 (VCV000254833.21), dbSNP rs377030324, ClinGen allele CA082943.

ClinVar aggregate classification (germline): Benign/Likely benign. Review status: criteria provided, multiple submitters, no conflicts (2 of 4 stars). 11 submissions from 8 submitters: Benign (9); Likely benign (2). Last evaluated 2026-01-26.

Conditions:
Congenital myopathy 18. Also called: Myopathy, congenital, due to dihydropyridine receptor defect; DIHYDROPYRIDINE RECEPTOR CONGENITAL MYOPATHY; DHPR CONGENITAL MYOPATHY. Identifiers: MedGen C5830283, MONDO:0859514, OMIM 620246.
Hypokalemic periodic paralysis, type 1. Also called: Hypokalemic Periodic Paralysis Type 1 (AD); HypoPP. Identifiers: Orphanet 681, MedGen C3714580, MONDO:0042979, OMIM 170400.
Malignant hyperthermia, susceptibility to, 5 (MHS5). Also called: CACNA1S-Related Malignant Hyperthermia Susceptibility. Identifiers: Orphanet 423, MedGen C1866077, MONDO:0011163, OMIM 601887.
Thyrotoxic periodic paralysis, susceptibility to, 1 (TTPP1). Identifiers: Orphanet 79102, MedGen C2749982, MONDO:0008570, OMIM 188580.

Allele frequency attached by ClinVar (database versions not stated): gnomAD below 0.00001 and 0.00046; TOPMed 0.00005; ESP Exome Variant Server 0.00008; gnomAD exomes 0.00140; ExAC 0.00156; 1000 Genomes Project 30x 0.00234; 1000 Genomes Project 0.00240.
gnomAD v4.1: 1,150 of 1,614,056 alleles (0.071%); highest among the groups gnomAD compares: South Asian, 1.2%; 17 homozygotes.

Submissions (11):

Labcorp Genetics (formerly Invitae), Labcorp
Classification: Benign for Hypokalemic periodic paralysis, type 1; Malignant hyperthermia, susceptibility to, 5. Last evaluated: 2026-01-26. Review status: criteria provided, single submitter. Criteria: Invitae Variant Classification Sherloc (09022015). Collection method: clinical testing. Allele origin: germline.

Blueprint Genetics
Classification: Likely benign. Last evaluated: 2024-10-08. Review status: criteria provided, single submitter. Criteria: ACMG Guidelines, 2015. Collection method: clinical testing. Allele origin: germline.

Genome-Nilou Lab
Classification: Benign for Malignant hyperthermia, susceptibility to, 5. Last evaluated: 2023-04-11. Review status: criteria provided, single submitter. Criteria: ACMG Guidelines, 2015. Collection method: clinical testing. Allele origin: germline. Affected: no.

Genome-Nilou Lab
Classification: Benign for Thyrotoxic periodic paralysis, susceptibility to, 1. Last evaluated: 2023-04-11. Review status: criteria provided, single submitter. Criteria: ACMG Guidelines, 2015. Collection method: clinical testing. Allele origin: germline. Affected: no.

Genome-Nilou Lab
Classification: Benign for Congenital myopathy 18. Last evaluated: 2023-04-11. Review status: criteria provided, single submitter. Criteria: ACMG Guidelines, 2015. Collection method: clinical testing. Allele origin: germline. Affected: no.

Genome-Nilou Lab
Classification: Benign for Hypokalemic periodic paralysis, type 1. Last evaluated: 2023-04-11. Review status: criteria provided, single submitter. Criteria: ACMG Guidelines, 2015. Collection method: clinical testing. Allele origin: germline. Affected: no.

Color Diagnostics, LLC DBA Color Health
Classification: Benign for Malignant hyperthermia, susceptibility to, 5. Last evaluated: 2022-11-09. Review status: criteria provided, single submitter. Criteria: ACMG Guidelines, 2015. Collection method: clinical testing. Allele origin: germline.

Fulgent Genetics
Classification: Likely benign for Hypokalemic periodic paralysis, type 1; Thyrotoxic periodic paralysis, susceptibility to, 1; Malignant hyperthermia, susceptibility to, 5. Last evaluated: 2021-09-28. Review status: criteria provided, single submitter. Criteria: ACMG Guidelines, 2015. Collection method: clinical testing. Allele origin: unknown.

GeneDx
Classification: Benign. Last evaluated: 2019-08-29. Review status: criteria provided, single submitter. Criteria: GeneDx Variant Classification Process June 2021. Collection method: clinical testing. Allele origin: germline. Affected: yes.

Illumina Laboratory Services, Illumina
Classification: Benign for Hypokalemic periodic paralysis, type 1. Last evaluated: 2018-01-13. Review status: criteria provided, single submitter. Criteria: ICSL Variant Classification Criteria 13 December 2019. Collection method: clinical testing. Allele origin: germline.
Comment: This variant was observed in the ICSL laboratory as part of a predisposition screen in an ostensibly healthy population. It had not been previously curated by ICSL or reported in the Human Gene Mutation Database (HGMD: prior to June 1st, 2018), and was therefore a candidate for classification through an automated scoring system. Utilizing variant allele frequency, disease prevalence and penetrance estimates, and inheritance mode, an automated score was calculated to assess if this variant is too frequent to cause the disease. Based on the score and internal cut-off values, a variant classified as benign is not then subjected to further curation. The score for this variant resulted in a classification of benign for this disease.

PreventionGenetics, part of Exact Sciences
Classification: Benign. Review status: criteria provided, single submitter. Criteria: ACMG Guidelines, 2015. Collection method: clinical testing. Allele origin: germline.